The following is an entry in ClinVar:

NC_000016.9:g.(?_138677)_(150527_?)dup

Gene: NPRL3 (NPR3 like, GATOR1 complex subunit; minus strand). Cytogenetic location: 16p13.3.
Variant type: Duplication.
Identifiers: ClinVar variation 3243561 (VCV003243561.1).

ClinVar aggregate classification (germline): Uncertain significance (1 of 4 stars; one submission).

Conditions:
Epilepsy, familial focal, with variable foci 3 (FFEVF3). Identifiers: MedGen C4310708, MONDO:0014925, OMIM 617118.

Submission:

Labcorp Genetics (formerly Invitae), Labcorp
Classification: Uncertain significance for Epilepsy, familial focal, with variable foci 3. Last evaluated: 2023-03-20. Review status: criteria provided, single submitter. Criteria: Invitae Variant Classification Sherloc (09022015). Collection method: clinical testing. Allele origin: unknown.
Comment: In summary, the available evidence is currently insufficient to determine the role of this variant in disease. Therefore, it has been classified as a Variant of Uncertain Significance. Experimental studies and prediction algorithms are not available or were not evaluated, and the functional significance of this variant is currently unknown. This variant has not been reported in the literature in individuals affected with NPRL3-related conditions. This variant results in a copy number gain of the genomic region encompassing exon(s) 8-13 of the NPRL3 gene. While the exact position of this variant cannot be determined from the data, sub-genic copy number gains are generally in tandem (PMID: 25640679). This variant is predicted to be in-frame, and likely preserves the integrity of the reading frame.

Literature cited by the submitters: PubMed 25640679.